The following is an entry in ClinVar:

ClinVar aggregate classification (germline): Uncertain significance (1 of 4 stars; one submission).

Conditions:
Sulfite oxidase deficiency due to molybdenum cofactor deficiency type C. Also called: Molybdenum cofactor deficiency C; Molybdenum cofactor deficiency, complementation group C. Identifiers: Orphanet 308400, Orphanet 833, MedGen C1854990, MONDO:0014212, OMIM 615501.

Allele frequency attached by ClinVar (database versions not stated): TOPMed below 0.00001; gnomAD 0.00001.
gnomAD v4.1: 13 of 1,609,748 alleles (0.00081%); highest among the groups gnomAD compares: Non-Finnish European, 0.0011%; no homozygotes.

Submission:

Labcorp Genetics (formerly Invitae), Labcorp
Classification: Uncertain significance for Sulfite oxidase deficiency due to molybdenum cofactor deficiency type C. Last evaluated: 2024-11-04. Review status: criteria provided, single submitter. Criteria: Invitae Variant Classification Sherloc (09022015). Collection method: clinical testing. Allele origin: germline.
Comment: This sequence change replaces leucine, which is neutral and non-polar, with phenylalanine, which is neutral and non-polar, at codon 645 of the GPHN protein (p.Leu645Phe). This variant is present in population databases (no rsID available, gnomAD 0.0009%). This variant has not been reported in the literature in individuals affected with GPHN-related conditions. ClinVar contains an entry for this variant (Variation ID: 1354260). Invitae Evidence Modeling of protein sequence and biophysical properties (such as structural, functional, and spatial information, amino acid conservation, physicochemical variation, residue mobility, and thermodynamic stability) indicates that this missense variant is not expected to disrupt GPHN protein function with a negative predictive value of 80%. In summary, the available evidence is currently insufficient to determine the role of this variant in disease. Therefore, it has been classified as a Variant of Uncertain Significance.

NM_020806.5(GPHN):c.1935G>C (p.Leu645Phe)

Gene: GPHN (gephyrin; plus strand). Cytogenetic location: 14q23.3.
Variant type: single nucleotide variant.
Coding change: c.1935G>C on transcript NM_020806.5 (MANE Select); coding-DNA position 1935, G replaced by C.
Protein change: p.Leu645Phe; replaces leucine 645 with phenylalanine.
Molecular consequence: missense variant.
Genome position (GRCh38, 1-based): chr14:67,165,186, G>C. VCF-style: chr14-67165186-G-C. GRCh37 (hg19) VCF-style: chr14-67631903-G-C.
Other names: c.1836G>C, p.Leu612Phe (NM_001024218.2); c.1995G>C, p.Leu665Phe (NM_001377514.1); c.1965G>C, p.Leu655Phe (NM_001377515.1); c.1956G>C, p.Leu652Phe (NM_001377516.1); c.1908G>C, p.Leu636Phe (NM_001377517.1); c.1893G>C, p.Leu631Phe (NM_001377518.1); c.1875G>C, p.Leu625Phe (NM_001377519.1); short protein forms L645F, L636F, L625F, L612F, L631F, L652F, L655F, L665F.
Identifiers: ClinVar variation 1354260 (VCV001354260.8), dbSNP rs1430232015, ClinGen allele CA390121797.